The following is an entry in ClinVar:

NM_020433.5(JPH2):c.1896G>C (p.Glu632Asp)

Gene: JPH2 (junctophilin 2; minus strand). Cytogenetic location: 20q13.12.
Variant type: single nucleotide variant.
Coding change: c.1896G>C on transcript NM_020433.5 (MANE Select); coding-DNA position 1896, G replaced by C.
Protein change: p.Glu632Asp; replaces glutamic acid 632 with aspartic acid.
Molecular consequence: missense variant.
Genome position (GRCh38, 1-based): chr20:44,115,779, C>G on the plus strand (G>C on the coding strand, the complement: JPH2 is on the minus strand). VCF-style: chr20-44115779-C-G. GRCh37 (hg19) VCF-style: chr20-42744419-C-G.
Other names: p.E632D:GAG>GAC; short protein forms E632D.
Identifiers: ClinVar variation 201804 (VCV000201804.31), dbSNP rs367563723, ClinGen allele CA335244.
Genomic context (GRCh38, chr20:44,115,779, plus strand): 5'-CTTCTTGGCCCCCGCCTTGGTCAGCCCTCGAGCCTCAGTCTTGCGGGCCTTGGCCCTGGG[C>G]TCGGCTTTGGGGATGATGGGCTTGGGCTCCAGCTTGGCGGGGGTCTCGCGTGCAGGCTCG-3'
Protein context (NP_065166.2, residues 622-642): LEPKPIIPKA[Glu632Asp]PRAKARKTEA

ClinVar aggregate classification (germline): Conflicting classifications of pathogenicity. Review status: criteria provided, conflicting classifications (1 of 4 stars). 7 submissions from 7 submitters: Uncertain significance (5); Likely benign (2). Last evaluated 2026-02-25.

Conditions:
JPH2-related disorder. Also called: JPH2-related condition.
Hypertrophic cardiomyopathy 17. Identifiers: MedGen C3151264, MONDO:0013474, OMIM 613873.
Cardiomyopathy, dilated, 2E. Identifiers: MedGen C5561970, MONDO:0030366, OMIM 619492.
Cardiovascular phenotype. Identifiers: MedGen CN230736.
Hypertrophic cardiomyopathy. Also called: HYPERTROPHIC MYOCARDIOPATHY. Identifiers: Orphanet 217569, MedGen C0007194, MeSH D002312, MONDO:0005045, HP:0001639.

Allele frequency attached by ClinVar (database versions not stated): ExAC 0.00005; gnomAD 0.00009 and 0.00010; TOPMed 0.00010; gnomAD exomes 0.00007; ESP Exome Variant Server 0.00015.
gnomAD v4.1: 108 of 1,611,010 alleles (0.0067%); highest among the groups gnomAD compares: Non-Finnish European, 0.0086%; no homozygotes.

Submissions (7):

PreventionGenetics, part of Exact Sciences
Classification: Uncertain significance for JPH2-related condition. Last evaluated: 2026-02-25. Review status: criteria provided, single submitter. Criteria: ACMG Guidelines, 2015. Collection method: clinical testing. Allele origin: germline.
Comment: The JPH2 c.1896G>C variant is predicted to result in the amino acid substitution p.Glu632Asp. This variant has been reported as a variant of uncertain significance in an individual with restrictive cardiomyopathy; however, this individual also carried a causative variant in the TNNI3 gene (patient CMP-58 in Table S4, Kühnisch et al. 2019. PubMed ID: 31568572). This variant is reported in 0.015% of alleles in individuals of European (Non-Finnish) descent in gnomAD. Although we suspect that this variant may be benign, at this time, the clinical significance of this variant is uncertain due to the absence of conclusive functional and genetic evidence.

Labcorp Genetics (formerly Invitae), Labcorp
Classification: Uncertain significance for Hypertrophic cardiomyopathy. Last evaluated: 2025-10-21. Review status: criteria provided, single submitter. Criteria: Invitae Variant Classification Sherloc (09022015). Collection method: clinical testing. Allele origin: germline.
Comment: This sequence change replaces glutamic acid, which is acidic and polar, with aspartic acid, which is acidic and polar, at codon 632 of the JPH2 protein (p.Glu632Asp). This variant is present in population databases (rs367563723, gnomAD 0.01%). This variant has not been reported in the literature in individuals affected with JPH2-related conditions. ClinVar contains an entry for this variant (Variation ID: 201804). An algorithm developed to predict the effect of missense changes on protein structure and function (PolyPhen-2) suggests that this variant is likely to be tolerated. In summary, the available evidence is currently insufficient to determine the role of this variant in disease. Therefore, it has been classified as a Variant of Uncertain Significance.

Revvity Omics, Revvity
Classification: Uncertain significance. Last evaluated: 2025-04-16. Review status: criteria provided, single submitter. Criteria: ACMG Guidelines, 2015. Collection method: clinical testing. Allele origin: germline.

Blueprint Genetics
Classification: Likely benign. Last evaluated: 2024-10-18. Review status: criteria provided, single submitter. Criteria: ACMG Guidelines, 2015. Collection method: clinical testing. Allele origin: germline.

Fulgent Genetics
Classification: Uncertain significance for Hypertrophic cardiomyopathy 17; Cardiomyopathy, dilated, 2E. Last evaluated: 2024-04-30. Review status: criteria provided, single submitter. Criteria: ACMG Guidelines, 2015. Collection method: clinical testing. Allele origin: germline.

Ambry Genetics
Classification: Likely benign for Cardiovascular phenotype. Last evaluated: 2023-10-27. Review status: criteria provided, single submitter. Criteria: Ambry Variant Classification Scheme 2023. Collection method: clinical testing. Allele origin: germline.

GeneDx
Classification: Uncertain significance. Last evaluated: 2023-07-14. Review status: criteria provided, single submitter. Criteria: GeneDx Variant Classification Process June 2021. Collection method: clinical testing. Allele origin: germline. Affected: yes.
Comment: Has not been previously published as pathogenic or benign to our knowledge; In silico analysis supports that this missense variant does not alter protein structure/function